The following is an entry in ClinVar:

ClinVar aggregate classification (germline): Likely benign. Review status: criteria provided, multiple submitters, no conflicts (2 of 4 stars). 2 submissions from 2 submitters: Likely benign (2). Last evaluated 2024-05-09.

Conditions:
Ataxia-telangiectasia syndrome (AT). Also called: Ataxia telangiectasia (A-T); Cerebello-oculocutaneous telangiectasia; Immunodeficiency with ataxia telangiectasia; LOUIS-BAR SYNDROME; ATAXIA-TELANGIECTASIA, FRESNO VARIANT; Ataxia-telangiectasia, complementation group D. Identifiers: Orphanet 100, MedGen C0004135, MONDO:0008840, OMIM 208900.
Familial cancer of breast. Also called: Hereditary breast cancer; BREAST CANCER, FAMILIAL; hereditary breast carcinoma. Identifiers: Orphanet 227535, MedGen C0346153, MONDO:0016419, OMIM 114480. Disease mechanism: loss of function.

Allele frequency attached by ClinVar (database versions not stated): gnomAD exomes below 0.00001; ExAC 0.00001.
gnomAD v4.1: 1 of 1,602,384 alleles (0.000062%); highest among the groups gnomAD compares: Non-Finnish European, 0.000085%; no homozygotes.

Submissions (2):

Myriad Genetics, Inc.
Classification: Likely benign for Familial cancer of breast. Last evaluated: 2024-05-09. Review status: criteria provided, single submitter. Criteria: Myriad Autosomal Dominant, Autosomal Recessive and X-Linked Classification Criteria (2023). Collection method: clinical testing. Allele origin: unknown.
Comment: This variant is considered likely benign. This variant is intronic and is not expected to impact mRNA splicing.

Labcorp Genetics (formerly Invitae), Labcorp
Classification: Likely benign for Ataxia-telangiectasia syndrome. Last evaluated: 2018-06-18. Review status: criteria provided, single submitter. Criteria: Invitae Variant Classification Sherloc (09022015). Collection method: clinical testing. Allele origin: germline.

NM_000051.4(ATM):c.2466+10C>T

Gene: ATM (ATM serine/threonine kinase; plus strand). Cytogenetic location: 11q22.3.
Variant type: single nucleotide variant.
Coding change: c.2466+10C>T on transcript NM_000051.4 (MANE Select); 10 bases into the intron after coding-DNA position 2466, C replaced by T.
Molecular consequence: intron variant.
Genome position (GRCh38, 1-based): chr11:108,259,085, C>T. VCF-style: chr11-108259085-C-T. GRCh37 (hg19) VCF-style: chr11-108129812-C-T.
Other names: c.2466+10C>T (NM_001351834.2).
Identifiers: ClinVar variation 758889 (VCV000758889.8), dbSNP rs759158068, ClinGen allele CA6265030.